The following is an entry in ClinVar:

ClinVar aggregate classification (germline): Uncertain significance (1 of 4 stars; one submission).

Conditions:
Hereditary cancer-predisposing syndrome. Also called: Neoplastic Syndromes, Hereditary; Tumor predisposition; Hereditary Cancer Syndrome; Hereditary neoplastic syndrome. Identifiers: Orphanet 140162, MedGen C0027672, MeSH D009386, MONDO:0015356.

Submission:

Ambry Genetics
Classification: Uncertain significance for Hereditary cancer-predisposing syndrome. Last evaluated: 2024-10-17. Review status: criteria provided, single submitter. Criteria: Ambry Variant Classification Scheme 2023. Collection method: clinical testing. Allele origin: germline.
Comment: The p.F509L variant (also known as c.1525T>C), located in coding exon 14 of the NF2 gene, results from a T to C substitution at nucleotide position 1525. The phenylalanine at codon 509 is replaced by leucine, an amino acid with highly similar properties. This amino acid position is conserved. In addition, this alteration is predicted to be tolerated by in silico analysis. Based on the available evidence, the clinical significance of this variant remains unclear.

NM_000268.4(NF2):c.1525T>C (p.Phe509Leu)

Gene: NF2 (NF2, moesin-ezrin-radixin like (MERLIN) tumor suppressor; plus strand). Cytogenetic location: 22q12.2.
Variant type: single nucleotide variant.
Coding change: c.1525T>C on transcript NM_000268.4 (MANE Select); coding-DNA position 1525, T replaced by C.
Protein change: p.Phe509Leu; replaces phenylalanine 509 with leucine.
Molecular consequence: missense variant. On other transcripts: non-coding transcript variant (1), intron variant (1).
Genome position (GRCh38, 1-based): chr22:29,678,274, T>C. VCF-style: chr22-29678274-T-C. GRCh37 (hg19) VCF-style: chr22-30074263-T-C.
Other names: c.1411T>C, p.Phe471Leu (NM_001407053.1, NM_001407056.1); c.1402T>C, p.Phe468Leu (NM_001407054.1, NM_001407058.1, NM_181829.3); c.1399T>C, p.Phe467Leu (NM_001407055.1, NM_181828.3); c.1390T>C, p.Phe464Leu (NM_001407057.1, NM_001407059.1); c.1525T>C, p.Phe509Leu (NM_001407060.1, NM_001407066.1, NM_016418.5 and 2 more transcripts); c.1267T>C, p.Phe423Leu (NM_001407062.1); c.1276T>C, p.Phe426Leu (NM_001407063.1, NM_001407064.1, NM_181830.3 and 1 more transcripts); c.991T>C, p.Phe331Leu (NM_001407065.1); and 2 more; short protein forms F426L, F467L, F423L, F432L, F464L, F471L, F509L, F331L.
Identifiers: ClinVar variation 3405018 (VCV003405018.1).